The following is an entry in ClinVar:

NM_001374828.1(ARID1B):c.3245G>A (p.Gly1082Asp)

Gene: ARID1B (AT-rich interaction domain 1B; plus strand). Cytogenetic location: 6q25.3.
Variant type: single nucleotide variant.
Coding change: c.3245G>A on transcript NM_001374828.1 (MANE Select); coding-DNA position 3245, G replaced by A.
Protein change: p.Gly1082Asp; replaces glycine 1082 with aspartic acid.
Molecular consequence: missense variant.
Genome position (GRCh38, 1-based): chr6:157,174,017, G>A. VCF-style: chr6-157174017-G-A. GRCh37 (hg19) VCF-style: chr6-157495151-G-A.
Other names: c.3035G>A, p.Gly1012Asp (NM_020732.3); c.2822G>A, p.Gly941Asp (NM_175863.2); c.3284G>A, p.Gly1095Asp (NM_001371656.1, NM_001374820.1); c.3245G>A, p.Gly1082Asp (NM_017519.3); c.2996G>A, p.Gly999Asp (NM_001346813.1); c.746G>A, p.Gly249Asp (NM_001363725.2); short protein forms G1012D, G249D, G941D, G999D, G1082D, G1095D.
Identifiers: ClinVar variation 2996837 (VCV002996837.3), dbSNP rs1303647267, ClinGen allele CA366224320.

ClinVar aggregate classification (germline): Uncertain significance (1 of 4 stars; one submission).

Allele frequency attached by ClinVar (database versions not stated): gnomAD exomes below 0.00001; TOPMed below 0.00001; gnomAD 0.00001.
gnomAD v4.1: 6 of 1,613,850 alleles (0.00037%); highest among the groups gnomAD compares: African/African-American, 0.0013%; no homozygotes.

Submission:

Labcorp Genetics (formerly Invitae), Labcorp
Classification: Uncertain significance. Last evaluated: 2023-05-12. Review status: criteria provided, single submitter. Criteria: Invitae Variant Classification Sherloc (09022015). Collection method: clinical testing. Allele origin: germline.
Comment: This variant has not been reported in the literature in individuals affected with ARID1B-related conditions. This variant is present in population databases (no rsID available, gnomAD 0.0009%). This sequence change replaces glycine, which is neutral and non-polar, with aspartic acid, which is acidic and polar, at codon 1012 of the ARID1B protein (p.Gly1012Asp). In summary, the available evidence is currently insufficient to determine the role of this variant in disease. Therefore, it has been classified as a Variant of Uncertain Significance. Advanced modeling of protein sequence and biophysical properties (such as structural, functional, and spatial information, amino acid conservation, physicochemical variation, residue mobility, and thermodynamic stability) has been performed at Invitae for this missense variant, however the output from this modeling did not meet the statistical confidence thresholds required to predict the impact of this variant on ARID1B protein function.